The following is an entry in ClinVar:

ClinVar aggregate classification (germline): Uncertain significance (1 of 4 stars; one submission).

Allele frequency attached by ClinVar (database versions not stated): gnomAD exomes below 0.00001.
gnomAD v4.1: 1 of 1,613,908 alleles (0.000062%); highest among the groups gnomAD compares: Non-Finnish European, 0.000085%; no homozygotes.

Submission:

Labcorp Genetics (formerly Invitae), Labcorp
Classification: Uncertain significance. Last evaluated: 2022-04-07. Review status: criteria provided, single submitter. Criteria: Invitae Variant Classification Sherloc (09022015). Collection method: clinical testing. Allele origin: germline.
Comment: This variant is not present in population databases (gnomAD no frequency). This sequence change replaces threonine, which is neutral and polar, with serine, which is neutral and polar, at codon 1559 of the CHD8 protein (p.Thr1559Ser). This variant has not been reported in the literature in individuals affected with CHD8-related conditions. In summary, the available evidence is currently insufficient to determine the role of this variant in disease. Therefore, it has been classified as a Variant of Uncertain Significance. Algorithms developed to predict the effect of missense changes on protein structure and function (SIFT, PolyPhen-2, Align-GVGD) all suggest that this variant is likely to be tolerated.

NM_001170629.2(CHD8):c.4676C>G (p.Thr1559Ser)

Gene: CHD8 (chromodomain helicase DNA binding protein 8; minus strand). Cytogenetic location: 14q11.2.
Variant type: single nucleotide variant.
Coding change: c.4676C>G on transcript NM_001170629.2 (MANE Select); coding-DNA position 4676, C replaced by G.
Protein change: p.Thr1559Ser; replaces threonine 1559 with serine.
Molecular consequence: missense variant.
Genome position (GRCh38, 1-based): chr14:21,400,202, G>C on the plus strand (C>G on the coding strand, the complement: CHD8 is on the minus strand). VCF-style: chr14-21400202-G-C. GRCh37 (hg19) VCF-style: chr14-21868361-G-C.
Other names: c.3839C>G, p.Thr1280Ser (NM_020920.4); short protein forms T1280S, T1559S.
Identifiers: ClinVar variation 2080057 (VCV002080057.4), dbSNP rs2501887284, ClinGen allele CA388891011.